The following is an entry in ClinVar:

NM_152383.5(DIS3L2):c.2228G>T (p.Arg743Leu)

Gene: DIS3L2 (DIS3 like 3'-5' exoribonuclease 2; plus strand). Cytogenetic location: 2q37.1.
Variant type: single nucleotide variant.
Coding change: c.2228G>T on transcript NM_152383.5 (MANE Select); coding-DNA position 2228, G replaced by T.
Protein change: p.Arg743Leu; replaces arginine 743 with leucine.
Molecular consequence: missense variant. On other transcripts: non-coding transcript variant (2), intron variant (1).
Genome position (GRCh38, 1-based): chr2:232,334,438, G>T. VCF-style: chr2-232334438-G-T. GRCh37 (hg19) VCF-style: chr2-233199148-G-T.
Other names: c.1582-8907G>T (NM_001257281.2); short protein forms R743L.
Identifiers: ClinVar variation 2183868 (VCV002183868.4), dbSNP rs947355512, ClinGen allele CA350977754.

ClinVar aggregate classification (germline): Uncertain significance (1 of 4 stars; one submission).

Conditions:
Perlman syndrome (PRLMNS). Identifiers: Orphanet 2849, MedGen C0796113, MONDO:0009965, OMIM 267000.

gnomAD v4.1: 24 of 1,613,730 alleles (0.0015%); highest among the groups gnomAD compares: Admixed American, 0.037%; no homozygotes.

Submission:

Labcorp Genetics (formerly Invitae), Labcorp
Classification: Uncertain significance for Perlman syndrome. Last evaluated: 2023-10-30. Review status: criteria provided, single submitter. Criteria: Invitae Variant Classification Sherloc (09022015). Collection method: clinical testing. Allele origin: germline.
Comment: This sequence change replaces arginine, which is basic and polar, with leucine, which is neutral and non-polar, at codon 743 of the DIS3L2 protein (p.Arg743Leu). This variant is present in population databases (no rsID available, gnomAD 0.02%). This variant has not been reported in the literature in individuals affected with DIS3L2-related conditions. ClinVar contains an entry for this variant (Variation ID: 2183868). Advanced modeling of protein sequence and biophysical properties (such as structural, functional, and spatial information, amino acid conservation, physicochemical variation, residue mobility, and thermodynamic stability) performed at Invitae indicates that this missense variant is not expected to disrupt DIS3L2 protein function with a negative predictive value of 80%. In summary, the available evidence is currently insufficient to determine the role of this variant in disease. Therefore, it has been classified as a Variant of Uncertain Significance.